The following is an entry in ClinVar:

ClinVar aggregate classification (germline): Conflicting classifications of pathogenicity. Review status: criteria provided, conflicting classifications (1 of 4 stars). 4 submissions from 4 submitters: Uncertain significance (1); Likely benign (3). Last evaluated 2026-01-27.

Conditions:
Primary ciliary dyskinesia 29. Also called: CILIARY DYSKINESIA, PRIMARY, 29, WITHOUT SITUS INVERSUS. Identifiers: Orphanet 244, MedGen C4014534, MONDO:0014378, OMIM 615872.
Primary ciliary dyskinesia. Also called: Ciliary dyskinesia. Identifiers: Orphanet 244, MedGen C0008780, MONDO:0016575, HP:0012265.

Allele frequency attached by ClinVar (database versions not stated): 1000 Genomes Project 0.00120; 1000 Genomes Project 30x 0.00125; gnomAD exomes 0.00134 and 0.00144; ESP Exome Variant Server 0.00139; gnomAD 0.00145 and 0.00150; TOPMed 0.00151; ExAC 0.00202.
gnomAD v4.1: 2,155 of 1,610,664 alleles (0.13%); highest among the groups gnomAD compares: Admixed American, 0.25%; 1 homozygote.

Submissions (4):

Labcorp Genetics (formerly Invitae), Labcorp
Classification: Likely benign for Primary ciliary dyskinesia. Last evaluated: 2026-01-27. Review status: criteria provided, single submitter. Criteria: Invitae Variant Classification Sherloc (09022015). Collection method: clinical testing. Allele origin: germline.

Blueprint Genetics
Classification: Likely benign. Last evaluated: 2024-11-25. Review status: criteria provided, single submitter. Criteria: ACMG Guidelines, 2015. Collection method: clinical testing. Allele origin: germline.

Mayo Clinic Laboratories, Mayo Clinic
Classification: Likely benign for Primary ciliary dyskinesia 29. Last evaluated: 2024-03-20. Review status: criteria provided, single submitter. Criteria: ACMG Guidelines, 2015. Collection method: clinical testing. Allele origin: paternal.
Comment: BS1, BP4

CeGaT Center for Human Genetics Tuebingen
Classification: Uncertain significance. Last evaluated: 2020-12-01. Review status: criteria provided, single submitter. Criteria: CeGaT Center For Human Genetics Tuebingen Variant Classification Criteria Version 2. Collection method: clinical testing. Allele origin: germline. Affected: yes. Observed: 1 variant allele.

NM_021147.5(CCNO):c.134C>A (p.Pro45His)

Gene: CCNO (cyclin O; minus strand). Cytogenetic location: 5q11.2.
Variant type: single nucleotide variant.
Coding change: c.134C>A on transcript NM_021147.5 (MANE Select); coding-DNA position 134, C replaced by A.
Protein change: p.Pro45His; replaces proline 45 with histidine.
Molecular consequence: missense variant. On other transcripts: non-coding transcript variant (2).
Genome position (GRCh38, 1-based): chr5:55,233,390, G>T on the plus strand (C>A on the coding strand, the complement: CCNO is on the minus strand). VCF-style: chr5-55233390-G-T. GRCh37 (hg19) VCF-style: chr5-54529218-G-T.
Other names: short protein forms P45H.
Identifiers: ClinVar variation 416791 (VCV000416791.60), dbSNP rs139606873, ClinGen allele CA3266854.